The following is an entry in ClinVar:

ClinVar aggregate classification (germline): Likely benign (0 of 4 stars; one submission).

Conditions:
PLXNA2-related disorder. Also called: PLXNA2-related condition.

Submission:

PreventionGenetics, part of Exact Sciences
Classification: Likely benign for PLXNA2-related condition. Last evaluated: 2022-09-08. Review status: no assertion criteria provided. Collection method: clinical testing. Allele origin: germline.
Comment: This variant is classified as likely benign based on ACMG/AMP sequence variant interpretation guidelines (Richards et al. 2015 PMID: 25741868, with internal and published modifications).

NM_025179.4(PLXNA2):c.3744C>T (p.Leu1248=)

Gene: PLXNA2 (plexin A2; minus strand). Cytogenetic location: 1q32.2.
Variant type: single nucleotide variant.
Coding change: c.3744C>T on transcript NM_025179.4 (MANE Select); coding-DNA position 3744, C replaced by T.
Protein change: p.Leu1248=; no amino-acid change (leucine 1248 retained).
Molecular consequence: synonymous variant.
Genome position (GRCh38, 1-based): chr1:208,044,638, G>A on the plus strand (C>T on the coding strand, the complement: PLXNA2 is on the minus strand). VCF-style: chr1-208044638-G-A. GRCh37 (hg19) VCF-style: chr1-208217983-G-A.
Identifiers: ClinVar variation 3356463 (VCV003356463.1).
Genomic context (GRCh38, chr1:208,044,638, plus strand): 5'-GTCATTTTCTCGAGACTTGCGCTTGTAGGCAATGAGGACGATGATGACGATGATGAGGAG[G>A]AGGCTGCCGCCGGCCGCGATGCTGACGATGGCTGGCAGGGTCAGCAAGCTGTCTGAGATG-3'
Protein context (NP_079455.3, residues 1238-1258): AIVSIAAGGS[Leu1248=]LLIIVIIVLI